The following is an entry in ClinVar:

NM_052867.4(NALCN):c.3250T>A (p.Phe1084Ile)

Gene: NALCN (sodium leak channel, non-selective; minus strand). Cytogenetic location: 13q32.3.
Variant type: single nucleotide variant.
Coding change: c.3250T>A on transcript NM_052867.4 (MANE Select); coding-DNA position 3250, T replaced by A.
Protein change: p.Phe1084Ile; replaces phenylalanine 1084 with isoleucine.
Molecular consequence: missense variant.
Genome position (GRCh38, 1-based): chr13:101,095,593, A>T on the plus strand (T>A on the coding strand, the complement: NALCN is on the minus strand). VCF-style: chr13-101095593-A-T. GRCh37 (hg19) VCF-style: chr13-101747944-A-T.
Other names: c.3337T>A, p.Phe1113Ile (NM_001350748.2); c.3250T>A, p.Phe1084Ile (NM_001350749.2); c.3163T>A, p.Phe1055Ile (NM_001350750.2, NM_001350751.2); short protein forms F1113I, F1084I, F1055I.
Identifiers: ClinVar variation 2819650 (VCV002819650.3), dbSNP rs2502084785, ClinGen allele CA388653373.
Genomic context (GRCh38, chr13:101,095,593, plus strand): 5'-AACACACCATTCTTCAGAATATTTTTTTATGATATACTTACCAAACACGGGGCACCCAAA[A>T]TCCAGGTTTTTTCTCTCCAGGCCTCAATTTTAAATTTAAGTTCTTTGACACACTGACATT-3'
Protein context (NP_443099.1, residues 1074-1094): KLRPGEKKPG[Phe1084Ile]WVPRVWANPR

ClinVar aggregate classification (germline): Uncertain significance (1 of 4 stars; one submission).

Submission:

Labcorp Genetics (formerly Invitae), Labcorp
Classification: Uncertain significance. Last evaluated: 2022-12-09. Review status: criteria provided, single submitter. Criteria: Invitae Variant Classification Sherloc (09022015). Collection method: clinical testing. Allele origin: germline.
Comment: In summary, the available evidence is currently insufficient to determine the role of this variant in disease. Therefore, it has been classified as a Variant of Uncertain Significance. This variant is not present in population databases (gnomAD no frequency). This sequence change replaces phenylalanine, which is neutral and non-polar, with isoleucine, which is neutral and non-polar, at codon 1084 of the NALCN protein (p.Phe1084Ile). This variant has not been reported in the literature in individuals affected with NALCN-related conditions. Advanced modeling of protein sequence and biophysical properties (such as structural, functional, and spatial information, amino acid conservation, physicochemical variation, residue mobility, and thermodynamic stability) performed at Invitae indicates that this missense variant is not expected to disrupt NALCN protein function.